The following is an entry in ClinVar:

ClinVar aggregate classification (germline): Uncertain significance (1 of 4 stars; one submission).

Conditions:
Inborn genetic diseases. Identifiers: MedGen C0950123, MeSH D030342.

gnomAD v4.1: 10 of 1,614,090 alleles (0.00062%); highest among the groups gnomAD compares: Non-Finnish European, 0.00085%; no homozygotes.

Submission:

Ambry Genetics
Classification: Uncertain significance for Inborn genetic diseases. Last evaluated: 2026-07-28. Review status: criteria provided, single submitter. Criteria: Ambry Variant Classification Scheme 2023. Collection method: clinical testing. Allele origin: germline.
Comment: The p.L192P variant (also known as c.575T>C), located in coding exon 1 of the SAMD9L gene, results from a T to C substitution at nucleotide position 575. The leucine at codon 192 is replaced by proline, an amino acid with similar properties. This amino acid position is conserved. In addition, the in silico prediction for this alteration is inconclusive. Based on the available evidence, the clinical significance of this variant remains unclear.

NM_152703.5(SAMD9L):c.575T>C (p.Leu192Pro)

Gene: SAMD9L (sterile alpha motif domain containing 9 like; minus strand). Cytogenetic location: 7q21.2.
Variant type: single nucleotide variant.
Coding change: c.575T>C on transcript NM_152703.5 (MANE Select); coding-DNA position 575, T replaced by C.
Protein change: p.Leu192Pro; replaces leucine 192 with proline.
Molecular consequence: missense variant.
Genome position (GRCh38, 1-based): chr7:93,135,397, A>G on the plus strand (T>C on the coding strand, the complement: SAMD9L is on the minus strand). VCF-style: chr7-93135397-A-G. GRCh37 (hg19) VCF-style: chr7-92764710-A-G.
Other names: c.575T>C, p.Leu192Pro (NM_001303496.3, NM_001303497.3, NM_001303498.3 and 5 more transcripts); short protein forms L192P.
Identifiers: ClinVar variation 5028922 (VCV005028922.1).